The following is an entry in ClinVar:

NM_033305.3(VPS13A):c.4785_4787del (p.Met1596del)

Gene: VPS13A (vacuolar protein sorting 13 homolog A; plus strand). Cytogenetic location: 9q21.2.
Variant type: Deletion.
Coding change: c.4785_4787del on transcript NM_033305.3 (MANE Select); coding-DNA positions 4785 to 4787, 3 bases deleted (AAT; older notation c.4785_4787delAAT).
Protein change: p.Met1596del; deletes methionine 1596.
Molecular consequence: inframe deletion.
Genome position (GRCh38, 1-based): chr9:77,316,328-77,316,330, AAT deleted. VCF-style (leftmost placement, unchanged base first): chr9-77316327-CAAT-C. GRCh37 (hg19) VCF-style: chr9-79931243-CAAT-C.
Other names: c.4668_4670del, p.Met1557del (NM_001018037.2); c.4785_4787del, p.Met1596del (NM_001018038.3, NM_015186.4); short protein forms M1557del, M1596del.
Identifiers: ClinVar variation 2125546 (VCV002125546.3), dbSNP rs2537987161, ClinGen allele CA2580080759.

ClinVar aggregate classification (germline): Uncertain significance (1 of 4 stars; one submission).

Submission:

Labcorp Genetics (formerly Invitae), Labcorp
Classification: Uncertain significance. Last evaluated: 2024-10-23. Review status: criteria provided, single submitter. Criteria: Invitae Variant Classification Sherloc (09022015). Collection method: clinical testing. Allele origin: germline.
Comment: This variant, c.4785_4787del, results in the deletion of 1 amino acid(s) of the VPS13A protein (p.Met1596del), but otherwise preserves the integrity of the reading frame. This variant is not present in population databases (gnomAD no frequency). This variant has not been reported in the literature in individuals affected with VPS13A-related conditions. ClinVar contains an entry for this variant (Variation ID: 2125546). Experimental studies and prediction algorithms are not available or were not evaluated, and the functional significance of this variant is currently unknown. In summary, the available evidence is currently insufficient to determine the role of this variant in disease. Therefore, it has been classified as a Variant of Uncertain Significance.